The following is an entry in ClinVar:

NM_014639.4(SKIC3):c.3364del (p.Thr1122fs)

Gene: SKIC3 (SKI3 subunit of superkiller complex; minus strand). Cytogenetic location: 5q15.
Variant type: Deletion.
Coding change: c.3364del on transcript NM_014639.4 (MANE Select); coding-DNA position 3364, one base deleted (A; older notation c.3364delA).
Protein change: p.Thr1122fs; shifts the reading frame from threonine 1122.
Molecular consequence: frameshift variant.
Genome position (GRCh38, 1-based): chr5:95,498,569, T deleted on the plus strand (A on the coding strand, the reverse complement: SKIC3 is on the minus strand). VCF-style (leftmost placement, unchanged base first): chr5-95498568-GT-G. GRCh37 (hg19) VCF-style: chr5-94834272-GT-G.
Other names: c.3364delA (NM_014639.4); short protein forms T1122fs.
Identifiers: ClinVar variation 501317 (VCV000501317.14), dbSNP rs774405964, ClinGen allele CA3346737.

ClinVar aggregate classification (germline): Pathogenic. Review status: criteria provided, multiple submitters, no conflicts (2 of 4 stars). 3 submissions from 3 submitters: Pathogenic (3). Last evaluated 2025-12-15.

Conditions:
Trichohepatoenteric syndrome. Also called: THE SYNDROME; Syndromic diarrhea; Tricho-hepato-enteric syndrome. Identifiers: Orphanet 84064, MedGen C1857276, MONDO:0009105.

Allele frequency attached by ClinVar (database versions not stated): gnomAD exomes below 0.00001 and 0.00004; TOPMed 0.00002; ExAC 0.00001; gnomAD 0.00001.

Submissions (3):

Women's Health and Genetics/Laboratory Corporation of America, LabCorp
Classification: Pathogenic for Trichohepatoenteric syndrome. Last evaluated: 2025-12-15. Review status: criteria provided, single submitter. Criteria: LabCorp Variant Classification Summary - May 2015. Collection method: clinical testing. Allele origin: germline.
Comment: Variant summary: SKIC3 c.3364delA (p.Thr1122GlnfsX10) results in a premature termination codon, predicted to cause a truncation of the encoded protein or absence of the protein due to nonsense mediated decay, which are commonly known mechanisms for disease. The variant allele was found at a frequency of 4e-06 in 251360 control chromosomes (gnomAD). c.3364delA has been observed in individuals affected with Trichohepatoenteric Syndrome or Immune dysregulation, Polyendocrinopathy, Enteropathy, X-linked (Bourgeois_2018, Gambineri_2018). These data indicate that the variant may be associated with disease. To our knowledge, no experimental evidence demonstrating an impact on protein function has been reported. The following publications have been ascertained in the context of this evaluation (PMID: 29527791, 30443250). ClinVar contains an entry for this variant (Variation ID: 501317). Based on the evidence outlined above, the variant was classified as pathogenic.

Labcorp Genetics (formerly Invitae), Labcorp
Classification: Pathogenic. Last evaluated: 2023-10-15. Review status: criteria provided, single submitter. Criteria: Invitae Variant Classification Sherloc (09022015). Collection method: clinical testing. Allele origin: germline.
Comment: This sequence change creates a premature translational stop signal (p.Thr1122Glnfs*10) in the TTC37 gene. It is expected to result in an absent or disrupted protein product. Loss-of-function variants in TTC37 are known to be pathogenic (PMID: 20176027, 21120949). This variant is present in population databases (rs774405964, gnomAD 0.0009%). This premature translational stop signal has been observed in individual(s) with trichohepatoenteric syndrome (PMID: 29527791). ClinVar contains an entry for this variant (Variation ID: 501317). For these reasons, this variant has been classified as Pathogenic.

Eurofins Ntd Llc (ga)
Classification: Pathogenic. Last evaluated: 2017-04-11. Review status: criteria provided, single submitter. Criteria: EGL Classification Definitions 2015. Collection method: clinical testing. Allele origin: germline. Observed: 1 variant allele, 1 heterozygote.

Literature cited by the submitters: PubMed 30443250 (cited by Women's Health and Genetics/Laboratory Corporation of America, LabCorp); PubMed 29527791 (cited by Women's Health and Genetics/Laboratory Corporation of America, LabCorp and Labcorp Genetics (formerly Invitae), Labcorp); PubMed 20176027 (cited by Labcorp Genetics (formerly Invitae), Labcorp); PubMed 21120949 (cited by Labcorp Genetics (formerly Invitae), Labcorp).